The following is an entry in ClinVar:

ClinVar aggregate classification (germline): Likely benign (0 of 4 stars; one submission).

Conditions:
BBS5-related disorder. Also called: BBS5-related condition.

gnomAD v4.1: 3 of 1,490,226 alleles (0.0002%); highest among the groups gnomAD compares: Non-Finnish European, 0.00028%; no homozygotes.

Submission:

PreventionGenetics, part of Exact Sciences
Classification: Likely benign for BBS5-related condition. Last evaluated: 2021-06-07. Review status: no assertion criteria provided. Collection method: clinical testing. Allele origin: germline.
Comment: This variant is classified as likely benign based on ACMG/AMP sequence variant interpretation guidelines (Richards et al. 2015 PMID: 25741868, with internal and published modifications).

NM_152384.3(BBS5):c.619-19T>C

Gene: BBS5 (Bardet-Biedl syndrome 5; plus strand). Cytogenetic location: 2q31.1.
Variant type: single nucleotide variant.
Coding change: c.619-19T>C on transcript NM_152384.3 (MANE Select); 19 bases into the intron before coding-DNA position 619, T replaced by C.
Molecular consequence: intron variant.
Genome position (GRCh38, 1-based): chr2:169,497,608, T>C. VCF-style: chr2-169497608-T-C. GRCh37 (hg19) VCF-style: chr2-170354118-T-C.
Identifiers: ClinVar variation 3357190 (VCV003357190.1).